The following is an entry in ClinVar:

NM_016604.4(KDM3B):c.61G>A (p.Ala21Thr)

Genes: KDM3B (lysine demethylase 3B; plus strand), LOC129994737 (ATAC-STARR-seq lymphoblastoid silent region 16394; plus strand). Cytogenetic location: 5q31.2.
Variant type: single nucleotide variant.
Coding change: c.61G>A on transcript NM_016604.4 (MANE Select); coding-DNA position 61, G replaced by A.
Protein change: p.Ala21Thr; replaces alanine 21 with threonine.
Molecular consequence: missense variant.
Genome position (GRCh38, 1-based): chr5:138,352,856, G>A. VCF-style: chr5-138352856-G-A. GRCh37 (hg19) VCF-style: chr5-137688545-G-A.
Other names: short protein forms A21T.
Identifiers: ClinVar variation 4540326 (VCV004540326.2).

ClinVar aggregate classification (germline): Uncertain significance (1 of 4 stars; one submission).

Submission:

GeneDx
Classification: Uncertain significance. Last evaluated: 2026-01-20. Review status: criteria provided, single submitter. Criteria: GeneDx Variant Classification Process June 2021. Collection method: clinical testing. Allele origin: germline.
Comment: Not observed at significant frequency in large population cohorts (gnomAD); In silico analysis suggests that this missense variant does not alter protein structure/function; Has not been previously published as pathogenic or benign to our knowledge